The following is an entry in ClinVar:

NM_006610.4(MASP2):c.1702G>C (p.Gly568Arg)

Genes: MASP2 (MBL associated serine protease 2; minus strand), TARDBP (TAR DNA binding protein; plus strand). Cytogenetic location: 1p36.22.
Variant type: single nucleotide variant.
Coding change: c.1702G>C on transcript NM_006610.4 (MANE Select); coding-DNA position 1702, G replaced by C.
Protein change: p.Gly568Arg; replaces glycine 568 with arginine.
Molecular consequence: missense variant.
Genome position (GRCh38, 1-based): chr1:11,027,244, C>G on the plus strand (G>C on the coding strand, the complement: MASP2 is on the minus strand). VCF-style: chr1-11027244-C-G. GRCh37 (hg19) VCF-style: chr1-11087301-C-G.
Other names: short protein forms G568R.
Identifiers: ClinVar variation 2278740 (VCV002278740.4), dbSNP rs151221694, ClinGen allele CA586607.

ClinVar aggregate classification (germline): Uncertain significance. Review status: criteria provided, single submitter (1 of 4 stars). 2 submissions from 2 submitters: Uncertain significance (1). 1 of the submissions does not count toward it. Last evaluated 2025-09-22.

Conditions:
MASP2-related disorder. Also called: MASP2-related condition.

Allele frequency attached by ClinVar (database versions not stated): gnomAD exomes 0.00001; gnomAD 0.00005; ESP Exome Variant Server 0.00015; ExAC 0.00002; TOPMed 0.00006.
gnomAD v4.1: 12 of 1,614,068 alleles (0.00074%); highest among the groups gnomAD compares: African/African-American, 0.013%; no homozygotes.

Submissions (2):

Ambry Genetics
Classification: Uncertain significance. Last evaluated: 2025-09-22. Review status: criteria provided, single submitter. Criteria: Ambry Variant Classification Scheme 2023. Collection method: clinical testing. Allele origin: germline.

PreventionGenetics, part of Exact Sciences
Classification: Uncertain significance for MASP2-related condition. Last evaluated: 2024-09-28. Review status: no assertion criteria provided. Collection method: clinical testing. Allele origin: germline. Not counted in ClinVar's aggregate classification.
Comment: The MASP2 c.1702G>C variant is predicted to result in the amino acid substitution p.Gly568Arg. To our knowledge, this variant has not been reported in the literature. This variant is reported in 0.032% of alleles in individuals of African descent in gnomAD. At this time, the clinical significance of this variant is uncertain due to the absence of conclusive functional and genetic evidence.